The following is an entry in ClinVar:

NM_000384.3(APOB):c.11442C>G (p.Thr3814=)

Gene: APOB (apolipoprotein B; minus strand). Cytogenetic location: 2p24.1.
Variant type: single nucleotide variant.
Coding change: c.11442C>G on transcript NM_000384.3 (MANE Select); coding-DNA position 11442, C replaced by G.
Protein change: p.Thr3814=; no amino-acid change (threonine 3814 retained).
Molecular consequence: synonymous variant.
Genome position (GRCh38, 1-based): chr2:21,005,426, G>C on the plus strand (C>G on the coding strand, the complement: APOB is on the minus strand). VCF-style: chr2-21005426-G-C. GRCh37 (hg19) VCF-style: chr2-21228298-G-C.
Identifiers: ClinVar variation 515465 (VCV000515465.17), dbSNP rs72654408, ClinGen allele CA046610.

ClinVar aggregate classification (germline): Benign/Likely benign. Review status: criteria provided, multiple submitters, no conflicts (2 of 4 stars). 4 submissions from 4 submitters: Benign (1); Likely benign (3). Last evaluated 2025-12-23.

Conditions:
Cardiovascular phenotype. Identifiers: MedGen CN230736.
Familial hypobetalipoproteinemia 1. Also called: Hypobetalipoproteinemia, normotriglyceridemic; Acanthocytosis with hypobetalipoproteinemia; APOB-Related Familial Hypobetalipoproteinemia. Identifiers: MedGen C4551990, MONDO:0014252, OMIM 615558.
Hypercholesterolemia, autosomal dominant, type B (FHCL2). Also called: Familial hypercholesterolemia 2; APOB-Related Familial Hypercholesterolemia, Autosomal Dominant; HYPERCHOLESTEROLEMIA, FAMILIAL, DUE TO LIGAND-DEFECTIVE APOLIPOPROTEIN B; Familial Hypercholesterolemia Type B; APOLIPOPROTEIN B-100, FAMILIAL DEFECTIVE; APOLIPOPROTEIN B-100, FAMILIAL LIGAND-DEFECTIVE. Identifiers: MedGen C1704417, MONDO:0007751, OMIM 144010.

Allele frequency attached by ClinVar (database versions not stated): TOPMed 0.00003.
gnomAD v4.1: 31 of 1,613,778 alleles (0.0019%); highest among the groups gnomAD compares: Admixed American, 0.005%; no homozygotes.

Submissions (4):

Labcorp Genetics (formerly Invitae), Labcorp
Classification: Likely benign for Familial hypobetalipoproteinemia 1; Hypercholesterolemia, autosomal dominant, type B. Last evaluated: 2025-12-23. Review status: criteria provided, single submitter. Criteria: Invitae Variant Classification Sherloc (09022015). Collection method: clinical testing. Allele origin: germline.

Molecular Diagnostic Laboratory for Inherited Cardiovascular Disease, Montreal Heart Institute
Classification: Benign. Last evaluated: 2025-04-09. Review status: criteria provided, single submitter. Criteria: ACMG Guidelines, 2015. Collection method: clinical testing. Allele origin: germline. Affected: no.

Ambry Genetics
Classification: Likely benign for Cardiovascular phenotype. Last evaluated: 2023-02-12. Review status: criteria provided, single submitter. Criteria: Ambry Variant Classification Scheme 2023. Collection method: clinical testing. Allele origin: germline.

GeneDx
Classification: Likely benign. Last evaluated: 2018-02-14. Review status: criteria provided, single submitter. Criteria: GeneDx Variant Classification (06012015). Collection method: clinical testing. Allele origin: germline. Affected: yes.
Comment: This variant is considered likely benign or benign based on one or more of the following criteria: it is a conservative change, it occurs at a poorly conserved position in the protein, it is predicted to be benign by multiple in silico algorithms, and/or has population frequency not consistent with disease.